The following is an entry in ClinVar:

NM_000179.3(MSH6):c.1335T>G (p.Ser445Arg)

Gene: MSH6 (mutS homolog 6; plus strand). Cytogenetic location: 2p16.3.
Variant type: single nucleotide variant.
Coding change: c.1335T>G on transcript NM_000179.3 (MANE Select); coding-DNA position 1335, T replaced by G.
Protein change: p.Ser445Arg; replaces serine 445 with arginine.
Molecular consequence: missense variant.
Genome position (GRCh38, 1-based): chr2:47,799,318, T>G. VCF-style: chr2-47799318-T-G. GRCh37 (hg19) VCF-style: chr2-48026457-T-G.
Other names: c.945T>G, p.Ser315Arg (NM_001281492.2); c.429T>G, p.Ser143Arg (NM_001281493.2, NM_001281494.2); short protein forms S143R, S315R, S445R.
Identifiers: ClinVar variation 648188 (VCV000648188.13), dbSNP rs1572722604, ClinGen allele CA346744555.

ClinVar aggregate classification (germline): Uncertain significance. Review status: criteria provided, multiple submitters, no conflicts (2 of 4 stars). 3 submissions from 3 submitters: Uncertain significance (3). Last evaluated 2023-08-28.

Conditions:
Hereditary cancer-predisposing syndrome. Also called: Neoplastic Syndromes, Hereditary; Tumor predisposition; Hereditary Cancer Syndrome; Hereditary neoplastic syndrome. Identifiers: Orphanet 140162, MedGen C0027672, MeSH D009386, MONDO:0015356.
Lynch syndrome. Identifiers: Orphanet 144, MedGen C4552100, MONDO:0005835. Disease mechanism: loss of function.
Hereditary nonpolyposis colorectal neoplasms. Identifiers: MedGen C0009405, MeSH D003123.

Submissions (3):

Ambry Genetics
Classification: Uncertain significance for Hereditary cancer-predisposing syndrome. Last evaluated: 2023-08-28. Review status: criteria provided, single submitter. Criteria: Ambry Variant Classification Scheme 2023. Collection method: clinical testing. Allele origin: germline.
Comment: The p.S445R variant (also known as c.1335T>G), located in coding exon 4 of the MSH6 gene, results from a T to G substitution at nucleotide position 1335. The serine at codon 445 is replaced by arginine, an amino acid with dissimilar properties. This amino acid position is poorly conserved in available vertebrate species. In addition, this alteration is predicted to be tolerated by in silico analysis. Since supporting evidence is limited at this time, the clinical significance of this alteration remains unclear.

Labcorp Genetics (formerly Invitae), Labcorp
Classification: Uncertain significance for Hereditary nonpolyposis colorectal neoplasms. Last evaluated: 2023-04-12. Review status: criteria provided, single submitter. Criteria: Invitae Variant Classification Sherloc (09022015). Collection method: clinical testing. Allele origin: germline.
Comment: This sequence change replaces serine, which is neutral and polar, with arginine, which is basic and polar, at codon 445 of the MSH6 protein (p.Ser445Arg). This variant is not present in population databases (gnomAD no frequency). This variant has not been reported in the literature in individuals affected with MSH6-related conditions. ClinVar contains an entry for this variant (Variation ID: 648188). Advanced modeling of protein sequence and biophysical properties (such as structural, functional, and spatial information, amino acid conservation, physicochemical variation, residue mobility, and thermodynamic stability) performed at Invitae indicates that this missense variant is not expected to disrupt MSH6 protein function. In summary, the available evidence is currently insufficient to determine the role of this variant in disease. Therefore, it has been classified as a Variant of Uncertain Significance.

All of Us Research Program, National Institutes of Health
Classification: Uncertain significance for Lynch syndrome. Last evaluated: 2023-03-07. Review status: criteria provided, single submitter. Criteria: ACMG Guidelines, 2015. Collection method: clinical testing. Allele origin: germline. Inheritance: Autosomal dominant inheritance. Observed: 1 variant allele, 1 heterozygote.
Comment: This missense variant replaces serine with arginine at codon 445 of the MSH6 protein. Computational prediction suggests that this variant may not impact protein structure and function (internally defined REVEL score threshold <= 0.5, PMID: 27666373). To our knowledge, functional studies have not been reported for this variant. This variant has not been reported in individuals affected with MSH6-related disorders in the literature. This variant has not been identified in the general population by the Genome Aggregation Database (gnomAD). The available evidence is insufficient to determine the role of this variant in disease conclusively. Therefore, this variant is classified as a Variant of Uncertain Significance.

This study involves interpretation of variants in research participants for the purpose of population health screening. Participant phenotype was not available at the time of variant classification. Additional details can be found in publication PMID: 35346344, PMCID: PMC8962531